The following is an entry in ClinVar:

ClinVar aggregate classification (germline): Uncertain significance. Review status: criteria provided, multiple submitters, no conflicts (2 of 4 stars). 2 submissions from 2 submitters: Uncertain significance (2). Last evaluated 2025-12-18.

Conditions:
Inborn genetic diseases. Identifiers: MedGen C0950123, MeSH D030342.
Neuronal ceroid lipofuscinosis. Also called: Neuronal Ceroid Lipofuscinoses. Identifiers: Orphanet 216, Orphanet 79263, MedGen C0027877, MONDO:0016295. Disease mechanism: loss of function.

Allele frequency attached by ClinVar (database versions not stated): TOPMed below 0.00001; gnomAD 0.00001.
gnomAD v4.1: 6 of 1,614,074 alleles (0.00037%); highest among the groups gnomAD compares: East Asian, 0.0089%; no homozygotes.

Submissions (2):

Labcorp Genetics (formerly Invitae), Labcorp
Classification: Uncertain significance for Neuronal ceroid lipofuscinosis. Last evaluated: 2025-12-18. Review status: criteria provided, single submitter. Criteria: Invitae Variant Classification Sherloc (09022015). Collection method: clinical testing. Allele origin: germline.
Comment: This sequence change replaces threonine, which is neutral and polar, with methionine, which is neutral and non-polar, at codon 68 of the DNAJC5 protein (p.Thr68Met). This variant is not present in population databases (gnomAD no frequency). This variant has not been reported in the literature in individuals affected with DNAJC5-related conditions. ClinVar contains an entry for this variant (Variation ID: 951890). An algorithm developed to predict the effect of missense changes on protein structure and function (PolyPhen-2) suggests that this variant is likely to be disruptive. In summary, the available evidence is currently insufficient to determine the role of this variant in disease. Therefore, it has been classified as a Variant of Uncertain Significance.

Ambry Genetics
Classification: Uncertain significance for Inborn genetic diseases. Last evaluated: 2024-10-09. Review status: criteria provided, single submitter. Criteria: Ambry Variant Classification Scheme 2023. Collection method: clinical testing. Allele origin: germline.

NM_025219.3(DNAJC5):c.203C>T (p.Thr68Met)

Gene: DNAJC5 (DnaJ heat shock protein family (Hsp40) member C5; plus strand). Cytogenetic location: 20q13.33.
Variant type: single nucleotide variant.
Coding change: c.203C>T on transcript NM_025219.3 (MANE Select); coding-DNA position 203, C replaced by T.
Protein change: p.Thr68Met; replaces threonine 68 with methionine.
Molecular consequence: missense variant.
Genome position (GRCh38, 1-based): chr20:63,929,407, C>T. VCF-style: chr20-63929407-C-T. GRCh37 (hg19) VCF-style: chr20-62560760-C-T.
Other names: short protein forms T68M.
Identifiers: ClinVar variation 951890 (VCV000951890.10), dbSNP rs1382120578, ClinGen allele CA409716459.